The following continues an entry in ClinVar:

NM_007194.4(CHEK2):c.1525C>T (p.Pro509Ser)

Gene: CHEK2. ClinVar aggregate classification (germline): Conflicting classifications of pathogenicity. Uncertain significance (16); Likely benign (3).

Submissions 9 to 20 of 20:

Quest Diagnostics Nichols Institute San Juan Capistrano
Classification: Uncertain significance. Last evaluated: 2024-07-12. Review status: criteria provided, single submitter. Criteria: Quest Diagnostics criteria. Collection method: clinical testing. Allele origin: unknown.
Comment: The CHEK2 c.1525C>T (p.Pro509Ser) variant has been reported in the published literature in individuals with prostate cancer (PMID: 18571837 (2008)), breast cancer (PMID: 28051113 (2017), PMID: 33471991 (2021), see also LOVD), uterine cancer (PMID: 28051113 (2017)), colorectal cancer (PMID: 29596542 (2018)), suspected Lynch syndrome (PMID: 25980754 (2015)), and suspected hereditary cancer (PMID: 32906215 (2020)). This variant has also been reported in reportedly healthy individuals (PMID: 33471991 (2021), see also LOVD). Functional studies reported conflicting results of this variant's effect on CHEK2 function (PMID: 30851065 (2019), 31050813 (2019), 34903604 (2021), 37449874 (2023)). The frequency of this variant in the general population, 0.0002 (3/15176 chromosomes (Genome Aggregation Database)), is uninformative in the assessment of its pathogenicity. Analysis of this variant using bioinformatics tools for the prediction of the effect of amino acid changes on protein structure and function yielded predictions that this variant is benign. Based on the available information, we are unable to determine the clinical significance of this variant.

Molecular Pathology, Peter Maccallum Cancer Centre
Classification: Uncertain significance for Familial cancer of breast. Last evaluated: 2024-04-18. Review status: criteria provided, single submitter. Criteria: ACMG Guidelines, 2015. Collection method: clinical testing. Allele origin: germline. Inheritance: Autosomal dominant inheritance.

Ambry Genetics
Classification: Likely benign for Hereditary cancer-predisposing syndrome. Last evaluated: 2024-03-05. Review status: criteria provided, single submitter. Criteria: Ambry Variant Classification Scheme 2023. Collection method: clinical testing. Allele origin: germline.

Fulgent Genetics
Classification: Uncertain significance for Familial prostate cancer; Bone osteosarcoma; CHEK2-related cancer predisposition. Last evaluated: 2024-02-29. Review status: criteria provided, single submitter. Criteria: ACMG Guidelines, 2015. Collection method: clinical testing. Allele origin: germline.

Department of Pathology and Laboratory Medicine, Sinai Health System
Classification: Uncertain significance for Hereditary breast ovarian cancer syndrome; Li-Fraumeni syndrome; Familial colorectal cancer type X. Last evaluated: 2024-01-15. Review status: criteria provided, single submitter. Criteria: ACMG Guidelines, 2015. Collection method: clinical testing. Allele origin: germline. Affected: yes.

Myriad Genetics, Inc.
Classification: Likely benign for Familial cancer of breast. Last evaluated: 2023-03-09. Review status: criteria provided, single submitter. Criteria: Myriad Autosomal Dominant, Autosomal Recessive and X-Linked Classification Criteria (2023). Collection method: clinical testing. Allele origin: unknown.
Comment: This variant is considered likely benign. This variant is strongly associated with less severe personal and family histories of cancer, typical for individuals without pathogenic variants in this gene [PMID: 25085752].

Sema4
Classification: Uncertain significance for Hereditary cancer-predisposing syndrome. Last evaluated: 2021-11-16. Review status: criteria provided, single submitter. Criteria: Sema4 Curation Guidelines. Collection method: curation. Allele origin: germline.
Comment: The CHEK2 c.1525C>T (p.P509S) variant has been reported in heterozygosity in individuals with breast, ovarian, prostate, and other cancers (PMID: 31050813, 18571837, 25980754, 33471991, 29522266, 28051113, 32546565), and in at least one individual in a cohort suspected of hereditary cancer (PMID 32906215). It has also been reported in population matched controls (PMID: 31050813, 33471991, 32546565). This variant was observed in 25/263796 chromosomes across all populations, with no homozygotes, in the large and broad cohorts of the Genome Aggregation Database. The variant has been reported in ClinVar (Variation ID: 128063). In silico tools suggest the impact of the variant on protein function is benign. Functional studies indicate an intermediate impact in in vivo yeast based growth assays (PMID: 30851065). However, the variant was reported as functional in another study as it displayed comparable kinase activity to wild-type (PMID: 31050813). The overall evidence is insufficient to meet ACMG/AMP criteria for classifying it as benign or pathogenic. In summary, the clinical significance of this variant is currently uncertain.

GeneDx
Classification: Uncertain significance. Last evaluated: 2021-07-14. Review status: criteria provided, single submitter. Criteria: GeneDx Variant Classification Process June 2021. Collection method: clinical testing. Allele origin: germline. Affected: yes.
Comment: Not observed at significant frequency in large population cohorts (Lek 2016); In silico analysis supports that this missense variant has a deleterious effect on protein structure/function; Published functional studies are inconclusive: intermediate to normal activity with respect to DNA damage response and kinase activity (Delimitsou 2019, Kleiblova 2019); Observed in individuals with breast, ovarian, prostate, and other cancers (Tischkowitz 2008, Yurgelun 2015, Castellanos 2017, Kleiblova 2019); This variant is associated with the following publications: (PMID: 32906215, 27535533, 31050813, 31422574, 30851065, 29596542, 28420421, 28051113, 18571837, 25980754)

Fulgent Genetics
Classification: Uncertain significance for Familial cancer of breast; Familial prostate cancer; Bone osteosarcoma; CHEK2-related cancer predisposition. Last evaluated: 2018-10-31. Review status: criteria provided, single submitter. Criteria: ACMG Guidelines, 2015. Collection method: clinical testing. Allele origin: unknown.

Mendelics
Classification: Uncertain significance for Familial cancer of breast. Last evaluated: 2018-07-02. Review status: criteria provided, single submitter. Criteria: Mendelics Assertion Criteria 2017. Collection method: clinical testing. Allele origin: unknown.

Color Diagnostics, LLC DBA Color Health
Classification: Likely benign for Hereditary cancer-predisposing syndrome. Last evaluated: 2016-03-03. Review status: criteria provided, single submitter. Criteria: ACMG Guidelines, 2015. Collection method: clinical testing. Allele origin: germline.

Counsyl
Classification: Uncertain significance for Familial cancer of breast. Last evaluated: 2016-04-14. Review status: no assertion criteria provided. Collection method: clinical testing. Allele origin: unknown. Not counted in ClinVar's aggregate classification.

Literature cited by the submitters: PubMed 31050813 (cited by 6 submitters); PubMed 34903604 (cited by 5 submitters); PubMed 37449874 (cited by 4 submitters); PubMed 18571837 (cited by 6 submitters); PubMed 25980754 (cited by 5 submitters); PubMed 28051113 (cited by 5 submitters); PubMed 29596542 (cited by 3 submitters); PubMed 38002677 (cited by Labcorp Genetics (formerly Invitae), Labcorp and Quest Diagnostics Nichols Institute San Juan Capistrano); PubMed 30851065 (cited by 6 submitters); PubMed 31409080 (cited by 3 submitters); PubMed 27023146 (cited by Women's Health and Genetics/Laboratory Corporation of America, LabCorp); PubMed 26644315 (cited by Women's Health and Genetics/Laboratory Corporation of America, LabCorp); PubMed 31422574 (cited by Women's Health and Genetics/Laboratory Corporation of America, LabCorp); PubMed 32906215 (cited by 3 submitters); PubMed 36035419 (cited by Women's Health and Genetics/Laboratory Corporation of America, LabCorp); PubMed 33471991 (cited by 3 submitters); PubMed 29522266 (cited by 3 submitters); PubMed 32546565 (cited by Ambry Genetics and Sema4); PubMed 25085752 (cited by Myriad Genetics, Inc.).